The following is an entry in ClinVar:

ClinVar aggregate classification (germline): Uncertain significance (1 of 4 stars; one submission).

Conditions:
Glycogen storage disease IV, classic hepatic. Also called: GSD IV, CLASSIC HEPATIC. Identifiers: MedGen C1856301.
Glycogen storage disease, type IV (GSD4). Also called: Glycogen storage disease due to glycogen branching enzyme deficiency; AMYLOPECTINOSIS; ANDERSEN DISEASE; BRANCHER DEFICIENCY; CIRRHOSIS, FAMILIAL, WITH DEPOSITION OF ABNORMAL GLYCOGEN; GBE1 DEFICIENCY. Identifiers: Orphanet 367, MedGen C0017923, MONDO:0009292, OMIM 232500.

Submission:

Labcorp Genetics (formerly Invitae), Labcorp
Classification: Uncertain significance for Glycogen storage disease, type IV; Glycogen storage disease IV, classic hepatic. Last evaluated: 2022-07-29. Review status: criteria provided, single submitter. Criteria: Invitae Variant Classification Sherloc (09022015). Collection method: clinical testing. Allele origin: germline.
Comment: This sequence change replaces aspartic acid, which is acidic and polar, with valine, which is neutral and non-polar, at codon 174 of the GBE1 protein (p.Asp174Val). This variant is not present in population databases (gnomAD no frequency). This variant has not been reported in the literature in individuals affected with GBE1-related conditions. Advanced modeling of protein sequence and biophysical properties (such as structural, functional, and spatial information, amino acid conservation, physicochemical variation, residue mobility, and thermodynamic stability) performed at Invitae indicates that this missense variant is not expected to disrupt GBE1 protein function. In summary, the available evidence is currently insufficient to determine the role of this variant in disease. Therefore, it has been classified as a Variant of Uncertain Significance.

NM_000158.4(GBE1):c.521A>T (p.Asp174Val)

Gene: GBE1 (1,4-alpha-glucan branching enzyme 1; minus strand). Cytogenetic location: 3p12.2.
Variant type: single nucleotide variant.
Coding change: c.521A>T on transcript NM_000158.4 (MANE Select); coding-DNA position 521, A replaced by T.
Protein change: p.Asp174Val; replaces aspartic acid 174 with valine.
Molecular consequence: missense variant.
Genome position (GRCh38, 1-based): chr3:81,649,830, T>A on the plus strand (A>T on the coding strand, the complement: GBE1 is on the minus strand). VCF-style: chr3-81649830-T-A. GRCh37 (hg19) VCF-style: chr3-81698981-T-A.
Other names: short protein forms D174V.
Identifiers: ClinVar variation 2155700 (VCV002155700.1), dbSNP rs2471828201, ClinGen allele CA353688598.